The following is an entry in ClinVar:

NC_000017.11:g.31232715_31232716insTTTTTTTTTTTTTTTTTTTTNNNNNNNNNNGGGCGCTGGGCGTGGGCACACGCTGGAGCATCCAGTGGGGGCTGTGGTACAGGCGTGAGCCACCGCGCCCGGCCGATACTTCACATTATTT

Gene: NF1 (neurofibromin 1; plus strand). Cytogenetic location: 17q11.2.
Variant type: Insertion.
Genome position: GRCh38: chr17:31,232,715-31,232,716. GRCh37 (hg19): chr17:29,559,733-29,559,734.
Identifiers: ClinVar variation 2709646 (VCV002709646.3), dbSNP rs2508230175.

ClinVar aggregate classification (germline): Pathogenic (1 of 4 stars; one submission).

Conditions:
Neurofibromatosis, type 1 (NF1). Also called: Peripheral type neurofibromatosis; VON RECKLINGHAUSEN DISEASE; NEUROFIBROMATOSIS, TYPE I, SOMATIC; Neurofibromatosis, type I. Identifiers: Orphanet 636, MedGen C0027831, MONDO:0018975, OMIM 162200. Disease mechanism: loss of function.

Submission:

Labcorp Genetics (formerly Invitae), Labcorp
Classification: Pathogenic for Neurofibromatosis, type 1. Last evaluated: 2024-01-16. Review status: criteria provided, single submitter. Criteria: Invitae Variant Classification Sherloc (09022015). Collection method: clinical testing. Allele origin: germline.
Comment: This sequence change inserts a large fragment of DNA, likely a transposable element, in exon 26 of the NF1 gene (c.3330_3331ins?), causing a frameshift at codon 1111 (p.Met1111fs). The exact size and sequence of the insertion cannot be determined by the current assay. However, the insertion is expected to result in an absent or disrupted protein product. This variant is not present in population databases (gnomAD no frequency). This variant has not been reported in the literature in individuals affected with NF1-related conditions. Retrotransposon insertions including LINE1 (L1), Alu, and SVA (SINE-VNTR-Alu) have been reported to be disease-causing through disruption of either a coding region or splice site (PMID: 19763152, 20307669, 22406018) and loss-of-function variants in NF1 are known to be pathogenic (PMID: 10712197, 23913538). For these reasons, this variant has been classified as Pathogenic.

Literature cited by the submitters: PubMed 19763152; PubMed 20307669; PubMed 22406018; PubMed 10712197; PubMed 23913538.